The following is an entry in ClinVar:

NM_015631.6(TCTN3):c.1232G>C (p.Gly411Ala)

Gene: TCTN3 (tectonic family member 3; minus strand). Cytogenetic location: 10q24.1.
Variant type: single nucleotide variant.
Coding change: c.1232G>C on transcript NM_015631.6 (MANE Select); coding-DNA position 1232, G replaced by C.
Protein change: p.Gly411Ala; replaces glycine 411 with alanine.
Molecular consequence: missense variant.
Genome position (GRCh38, 1-based): chr10:95,683,167, C>G on the plus strand (G>C on the coding strand, the complement: TCTN3 is on the minus strand). VCF-style: chr10-95683167-C-G. GRCh37 (hg19) VCF-style: chr10-97442924-C-G.
Other names: c.1286G>C, p.Gly429Ala (NM_001013840.1); c.788G>C, p.Gly263Ala (NM_001143973.2); c.1136G>C, p.Gly379Ala (NM_001410982.1); c.1232G>C (NM_015631.5); short protein forms G429A, G379A, G263A, G411A.
Identifiers: ClinVar variation 1980283 (VCV001980283.4), dbSNP rs140405704, ClinGen allele CA377703634.
Genomic context (GRCh38, chr10:95,683,167, plus strand): 5'-TTGCATCCAGATATTGCATTCACTCCAAACTGCACTTCATGTCTTTTAACAGAGCAACTT[C>G]CATTACCCTGGCTCTGTAAGAGGGTCATCCAAGGTGGAAAAGTGATGATCAAGGACATCA-3'
Protein context (NP_056446.4, residues 401-421): SMTLLQSQGN[Gly411Ala]SCSVKRHEVQ

ClinVar aggregate classification (germline): Uncertain significance. Review status: criteria provided, multiple submitters, no conflicts (2 of 4 stars). 2 submissions from 2 submitters: Uncertain significance (2). Last evaluated 2026-09-10.

Conditions:
Orofacial-digital syndrome IV (OFD4). Also called: BARAITSER-BURN SYNDROME; OFD SYNDROME WITH TIBIAL DEFECTS; OFD SYNDROME, BARAITSER-BURN TYPE; OFDS IV; ORAL-FACIAL-DIGITAL SYNDROME, TYPE IV; MOHR-MAJEWSKI SYNDROME. Identifiers: Orphanet 2753, MedGen C0406727, MONDO:0009794, OMIM 258860.
Joubert syndrome 18 (JBTS18). Identifiers: Orphanet 2754, MedGen C3553758, MONDO:0013896, OMIM 614815.
TCTN3-related disorder. Also called: TCTN3-related condition.

Allele frequency attached by ClinVar (database versions not stated): TOPMed below 0.00001.
gnomAD v4.1: 6 of 1,613,942 alleles (0.00037%); highest among the groups gnomAD compares: African/African-American, 0.008%; no homozygotes.

Submissions (2):

PreventionGenetics, part of Exact Sciences
Classification: Uncertain significance for TCTN3-related condition. Last evaluated: 2026-09-10. Review status: criteria provided, single submitter. Criteria: ACMG Guidelines, 2015. Collection method: clinical testing. Allele origin: germline.
Comment: The TCTN3 c.1232G>C variant is predicted to result in the amino acid substitution p.Gly411Ala. To our knowledge, this variant has not been reported in the literature. This variant is reported in 0.011% of alleles in individuals of African descent in gnomAD. At this time, the clinical significance of this variant is uncertain due to the absence of conclusive functional and genetic evidence.

Labcorp Genetics (formerly Invitae), Labcorp
Classification: Uncertain significance for Joubert syndrome 18; Orofacial-digital syndrome IV. Last evaluated: 2022-11-15. Review status: criteria provided, single submitter. Criteria: Invitae Variant Classification Sherloc (09022015). Collection method: clinical testing. Allele origin: germline.
Comment: This variant is present in population databases (no rsID available, gnomAD 0.01%). This variant has not been reported in the literature in individuals affected with TCTN3-related conditions. Advanced modeling of protein sequence and biophysical properties (such as structural, functional, and spatial information, amino acid conservation, physicochemical variation, residue mobility, and thermodynamic stability) performed at Invitae indicates that this missense variant is expected to disrupt TCTN3 protein function. Algorithms developed to predict the effect of sequence changes on RNA splicing suggest that this variant may disrupt the consensus splice site. In summary, the available evidence is currently insufficient to determine the role of this variant in disease. Therefore, it has been classified as a Variant of Uncertain Significance. This sequence change replaces glycine, which is neutral and non-polar, with alanine, which is neutral and non-polar, at codon 411 of the TCTN3 protein (p.Gly411Ala).